The following is an entry in ClinVar:

ClinVar aggregate classification (germline): Benign. Review status: criteria provided, multiple submitters, no conflicts (2 of 4 stars). 6 submissions from 6 submitters: Benign (4). 2 of the submissions do not count toward it. Last evaluated 2018-01-12.

Conditions:
Holt-Oram syndrome (HOS). Also called: Ventriculo-radial syndrome; Cardiac-limb syndrome; Heart-hand syndrome, type 1; TBX5-Related Holt-Oram Syndrome. Identifiers: Orphanet 392, MedGen C0265264, MONDO:0007732, OMIM 142900.

Allele frequency attached by ClinVar (database versions not stated): TOPMed 0.01828; gnomAD exomes 0.03467 and 0.01560; gnomAD 0.01186 and 0.01742; 1000 Genomes Project 30x 0.07183; 1000 Genomes Project 0.08067; ExAC 0.03942; ESP Exome Variant Server 0.00215.
gnomAD v4.1: 25,928 of 1,609,080 alleles (1.6%); highest among the groups gnomAD compares: East Asian, 33%; 2,668 homozygotes.

Submissions (6):

Illumina Laboratory Services, Illumina
Classification: Benign for Holt-Oram syndrome. Last evaluated: 2018-01-12. Review status: criteria provided, single submitter. Criteria: ICSL Variant Classification Criteria 13 December 2019. Collection method: clinical testing. Allele origin: germline.
Comment: This variant was observed in the ICSL laboratory as part of a predisposition screen in an ostensibly healthy population. It had not been previously curated by ICSL or reported in the Human Gene Mutation Database (HGMD: prior to June 1st, 2018), and was therefore a candidate for classification through an automated scoring system. Utilizing variant allele frequency, disease prevalence and penetrance estimates, and inheritance mode, an automated score was calculated to assess if this variant is too frequent to cause the disease. Based on the score and internal cut-off values, a variant classified as benign is not then subjected to further curation. The score for this variant resulted in a classification of benign for this disease.

GeneDx
Classification: Benign. Last evaluated: 2015-03-03. Review status: criteria provided, single submitter. Criteria: GeneDx Variant Classification Process June 2021. Collection method: clinical testing. Allele origin: germline. Affected: yes.

Breakthrough Genomics
Classification: Benign. Review status: criteria provided, single submitter. Criteria: ACMG Guidelines, 2015. Collection method: not provided. Allele origin: germline. Inheritance: Autosomal dominant inheritance. Affected: yes.

PreventionGenetics, part of Exact Sciences
Classification: Benign. Review status: criteria provided, single submitter. Criteria: ACMG Guidelines, 2015. Collection method: clinical testing. Allele origin: germline.

Genome Diagnostics Laboratory, University Medical Center Utrecht
Classification: Benign. Review status: no assertion criteria provided. Collection method: clinical testing. Allele origin: germline. Affected: yes. Study: VKGL Data-share Consensus. Not counted in ClinVar's aggregate classification.

Joint Genome Diagnostic Labs from Nijmegen and Maastricht, Radboudumc and MUMC+
Classification: Benign. Review status: no assertion criteria provided. Collection method: clinical testing. Allele origin: germline. Affected: yes. Study: VKGL Data-share Consensus. Not counted in ClinVar's aggregate classification.

NM_181486.4(TBX5):c.*40A>G

Gene: TBX5 (T-box transcription factor 5; minus strand). Cytogenetic location: 12q24.21.
Variant type: single nucleotide variant.
Coding change: c.*40A>G on transcript NM_181486.4 (MANE Select); 40 bases downstream of the stop codon, A replaced by G.
Molecular consequence: 3 prime UTR variant.
Genome position (GRCh38, 1-based): chr12:114,355,492, T>C on the plus strand (A>G on the coding strand, the complement: TBX5 is on the minus strand). VCF-style: chr12-114355492-T-C. GRCh37 (hg19) VCF-style: chr12-114793297-T-C.
Other names: c.*40A>G (NM_000192.3, NM_080717.4).
Identifiers: ClinVar variation 255489 (VCV000255489.11), dbSNP rs10850326, ClinGen allele CA6809305.